The following is an entry in ClinVar:

ClinVar aggregate classification (germline): Pathogenic (1 of 4 stars; one submission).

Conditions:
Usher syndrome type 2A. Also called: RETINAL DISEASE IN USHER SYNDROME TYPE IIA, MODIFIER OF; USHER SYNDROME, TYPE IIA. Identifiers: Orphanet 231178, Orphanet 886, MedGen C1848634, MONDO:0010169, OMIM 276901.

gnomAD v4.1: 1 of 1,613,556 alleles (0.000062%); highest among the groups gnomAD compares: South Asian, 0.0011%; no homozygotes.

Submission:

Institute of Rare Diseases, West China Hospital, Sichuan University
Classification: Pathogenic for Usher syndrome type 2A. Last evaluated: 2025-01-09. Review status: criteria provided, single submitter. Criteria: ClinGen HL ACMG Specifications v1. Collection method: research. Allele origin: germline. Affected: yes.
Comment: PVS1;PM3;PM2_Supporting

NM_206933.4(USH2A):c.4213C>T (p.Gln1405Ter)

Genes: USH2A (usherin; minus strand), USH2A-AS1 (USH2A antisense RNA 1; plus strand). Cytogenetic location: 1q41.
Variant type: single nucleotide variant.
Coding change: c.4213C>T on transcript NM_206933.4 (MANE Select); coding-DNA position 4213, C replaced by T.
Protein change: p.Gln1405Ter; replaces glutamine 1405 with a stop codon.
Molecular consequence: nonsense.
Genome position (GRCh38, 1-based): chr1:216,196,591, G>A on the plus strand (C>T on the coding strand, the complement: USH2A is on the minus strand). VCF-style: chr1-216196591-G-A. GRCh37 (hg19) VCF-style: chr1-216369933-G-A.
Other names: c.4213C>T, p.Gln1405Ter (NM_007123.6); short protein forms Q1405*.
Identifiers: ClinVar variation 3601036 (VCV003601036.1).